The following is an entry in ClinVar:

NM_019109.5(ALG1):c.941C>T (p.Ser314Phe)

Gene: ALG1 (ALG1 chitobiosyldiphosphodolichol beta-mannosyltransferase; plus strand). Cytogenetic location: 16p13.3.
Variant type: single nucleotide variant.
Coding change: c.941C>T on transcript NM_019109.5 (MANE Select); coding-DNA position 941, C replaced by T.
Protein change: p.Ser314Phe; replaces serine 314 with phenylalanine.
Molecular consequence: missense variant.
Genome position (GRCh38, 1-based): chr16:5,079,787, C>T. VCF-style: chr16-5079787-C-T. GRCh37 (hg19) VCF-style: chr16-5129788-C-T.
Other names: c.608C>T, p.Ser203Phe (NM_001330504.2); short protein forms S203F, S314F.
Identifiers: ClinVar variation 1364074 (VCV001364074.8), dbSNP rs569218235, ClinGen allele CA7890116.

ClinVar aggregate classification (germline): Uncertain significance. Review status: criteria provided, multiple submitters, no conflicts (2 of 4 stars). 2 submissions from 2 submitters: Uncertain significance (2). Last evaluated 2022-03-19.

Conditions:
ALG1-congenital disorder of glycosylation. Also called: CDG Ik; ALG1-CDG; CONGENITAL DISORDER OF GLYCOSYLATION, TYPE Ik. Identifiers: Orphanet 79327, MedGen C2931005, MONDO:0012052, OMIM 608540.

Allele frequency attached by ClinVar (database versions not stated): gnomAD exomes below 0.00001 and 0.00002; ExAC 0.00002; 1000 Genomes Project 30x 0.00016; 1000 Genomes Project 0.00020.

Submissions (2):

Labcorp Genetics (formerly Invitae), Labcorp
Classification: Uncertain significance for ALG1-congenital disorder of glycosylation. Last evaluated: 2022-03-19. Review status: criteria provided, single submitter. Criteria: Invitae Variant Classification Sherloc (09022015). Collection method: clinical testing. Allele origin: germline.
Comment: This variant has not been reported in the literature in individuals affected with ALG1-related conditions. This sequence change replaces serine, which is neutral and polar, with phenylalanine, which is neutral and non-polar, at codon 314 of the ALG1 protein (p.Ser314Phe). This variant is present in population databases (rs569218235, gnomAD 0.007%). Advanced modeling of protein sequence and biophysical properties (such as structural, functional, and spatial information, amino acid conservation, physicochemical variation, residue mobility, and thermodynamic stability) performed at Invitae indicates that this missense variant is expected to disrupt ALG1 protein function. In summary, the available evidence is currently insufficient to determine the role of this variant in disease. Therefore, it has been classified as a Variant of Uncertain Significance.

Fulgent Genetics
Classification: Uncertain significance for ALG1-congenital disorder of glycosylation. Last evaluated: 2021-11-03. Review status: criteria provided, single submitter. Criteria: ACMG Guidelines, 2015. Collection method: clinical testing. Allele origin: unknown.